The following is an entry in ClinVar:

ClinVar aggregate classification (germline): Uncertain significance. Review status: criteria provided, multiple submitters, no conflicts (2 of 4 stars). 2 submissions from 2 submitters: Uncertain significance (2). Last evaluated 2025-11-08.

Conditions:
Inborn genetic diseases. Identifiers: MedGen C0950123, MeSH D030342.

Allele frequency attached by ClinVar (database versions not stated): gnomAD exomes 0.00004; TOPMed 0.00002; gnomAD 0.00003; ESP Exome Variant Server 0.00008.
gnomAD v4.1: 58 of 1,613,668 alleles (0.0036%); highest among the groups gnomAD compares: Non-Finnish European, 0.0047%; no homozygotes.

Submissions (2):

Ambry Genetics
Classification: Uncertain significance for Inborn genetic diseases. Last evaluated: 2025-11-08. Review status: criteria provided, single submitter. Criteria: Ambry Variant Classification Scheme 2023. Collection method: clinical testing. Allele origin: germline.

Labcorp Genetics (formerly Invitae), Labcorp
Classification: Uncertain significance. Last evaluated: 2022-08-09. Review status: criteria provided, single submitter. Criteria: Invitae Variant Classification Sherloc (09022015). Collection method: clinical testing. Allele origin: germline.
Comment: This sequence change replaces glycine, which is neutral and non-polar, with alanine, which is neutral and non-polar, at codon 73 of the TSFM protein (p.Gly73Ala). This variant is present in population databases (rs371423703, gnomAD 0.003%). This variant has not been reported in the literature in individuals affected with TSFM-related conditions. Algorithms developed to predict the effect of missense changes on protein structure and function (SIFT, PolyPhen-2, Align-GVGD) all suggest that this variant is likely to be tolerated. In summary, the available evidence is currently insufficient to determine the role of this variant in disease. Therefore, it has been classified as a Variant of Uncertain Significance.

NM_005726.6(TSFM):c.218G>C (p.Gly73Ala)

Gene: TSFM (Ts translation elongation factor, mitochondrial; plus strand). Cytogenetic location: 12q14.1.
Variant type: single nucleotide variant.
Coding change: c.218G>C on transcript NM_005726.6 (MANE Select); coding-DNA position 218, G replaced by C.
Protein change: p.Gly73Ala; replaces glycine 73 with alanine.
Molecular consequence: missense variant.
Genome position (GRCh38, 1-based): chr12:57,783,270, G>C. VCF-style: chr12-57783270-G-C. GRCh37 (hg19) VCF-style: chr12-58177053-G-C.
Other names: c.218G>C, p.Gly73Ala (NM_001172695.2, NM_001172696.2, NM_001172697.2); c.218G>C (NM_001172696.1); short protein forms G73A.
Identifiers: ClinVar variation 2196929 (VCV002196929.2), dbSNP rs371423703, ClinGen allele CA237828085.